The following continues an entry in ClinVar:

NM_000199.5(SGSH):c.220C>T (p.Arg74Cys)

Gene: SGSH. ClinVar aggregate classification (germline): Pathogenic/Likely pathogenic. Pathogenic (21); Likely pathogenic (3).

Submissions 13 to 29 of 29:

Genome-Nilou Lab
Classification: Pathogenic for Mucopolysaccharidosis, MPS-III-A. Last evaluated: 2021-11-07. Review status: criteria provided, single submitter. Criteria: ACMG Guidelines, 2015. Collection method: clinical testing. Allele origin: germline. Affected: no.

Centre for Inherited Metabolic Diseases, Karolinska University Hospital
Classification: Pathogenic for Mucopolysaccharidosis, MPS-III-A. Last evaluated: 2021-03-25. Review status: criteria provided, single submitter. Criteria: ACMG Guidelines, 2015. Collection method: clinical testing. Allele origin: germline. Inheritance: Autosomal recessive inheritance. Affected: yes. Observed: 1 compound heterozygote.

Myriad Genetics, Inc.
Classification: Pathogenic for Mucopolysaccharidosis, MPS-III-A. Last evaluated: 2019-12-26. Review status: criteria provided, single submitter. Criteria: Myriad Women's Health Autosomal Recessive and X-Linked Classification Criteria (2019). Collection method: clinical testing. Allele origin: unknown.
Comment: NM_000199.3(SGSH):c.220C>T(R74C) is classified as pathogenic in the context of mucopolysaccharidosis type IIIA. Sources cited for classification include the following: PMID 9401012, 15146460, 11182930, 18407553, 24314109, 21061399 and 11182930. Classification of NM_000199.3(SGSH):c.220C>T(R74C) is based on the following criteria: This is a well-established pathogenic variant in the literature that has been observed more frequently in patients with clinical diagnoses than in healthy populations. Please note: this variant was assessed in the context of healthy population screening.

Revvity Omics, Revvity
Classification: Pathogenic for Mucopolysaccharidosis, MPS-III-A. Last evaluated: 2019-10-09. Review status: criteria provided, single submitter. Criteria: ACMG Guidelines, 2015. Collection method: clinical testing. Allele origin: germline.

Laboratory of Diagnosis and Therapy of Lysosomal Disorders, University of Padova
Classification: Likely pathogenic for Mucopolysaccharidosis, MPS-III-A. Last evaluated: 2019-01-01. Review status: criteria provided, single submitter. Criteria: ACMG Guidelines, 2015. Collection method: literature only. Allele origin: germline. Affected: yes.
Comment: PS3: Low/absent in vivo enzymatic activity in homozygote. PS3: Low in vitro enzymatic activity. PM2: Very low frequency in GnomAD

Centre for Mendelian Genomics, University Medical Centre Ljubljana
Classification: Pathogenic for Mucopolysaccharidosis, MPS-III-A. Last evaluated: 2018-09-25. Review status: criteria provided, single submitter. Criteria: ACMG Guidelines, 2015. Collection method: clinical testing. Allele origin: unknown. Affected: yes.
Comment: This variant was classified as: Pathogenic. The following ACMG criteria were applied in classifying this variant: PS1,PM2,PP3,PP4.

Genomic Research Center, Shahid Beheshti University of Medical Sciences
Classification: Pathogenic for Mucopolysaccharidosis, MPS-III-A. Last evaluated: 2017-06-07. Review status: criteria provided, single submitter. Criteria: ACMG Guidelines, 2015. Collection method: clinical testing. Allele origin: inherited. Affected: yes. Observed: 1 variant allele.

Mayo Clinic Laboratories, Mayo Clinic
Classification: Pathogenic for Mucopolysaccharidosis, MPS-III-A. Last evaluated: 2017-01-19. Review status: criteria provided, single submitter. Criteria: ACMG Guidelines, 2015. Collection method: clinical testing. Allele origin: paternal.

Centre for Mendelian Genomics, University Medical Centre Ljubljana
Classification: Likely pathogenic for Abnormal circulating carbohydrate concentration. Last evaluated: 2017-01-01. Review status: criteria provided, single submitter. Criteria: ACMG Guidelines, 2015. Collection method: clinical testing. Allele origin: unknown. Affected: yes.

Eurofins Ntd Llc (ga)
Classification: Pathogenic. Last evaluated: 2016-09-02. Review status: criteria provided, single submitter. Criteria: EGL Classification Definitions. Collection method: clinical testing. Allele origin: germline. Observed: 8 variant alleles, 8 heterozygotes.

Clinical Genetics DNA and cytogenetics Diagnostics Lab, Erasmus MC, Erasmus Medical Center
Classification: Pathogenic for Mucopolysaccharidosis, MPS-III-A. Last evaluated: 2015-09-21. Review status: criteria provided, single submitter. Criteria: ACGS Guidelines, 2013. Collection method: clinical testing. Allele origin: germline. Affected: yes. Study: VKGL Data-share Consensus.

Foundation for Research in Genetics and Endocrinology, FRIGE's Institute of Human Genetics
Classification: Pathogenic for Mucopolysaccharidosis, MPS-III-A. Last evaluated: 2011-06-16. Review status: criteria provided, single submitter. Criteria: ACMG Guidelines, 2015. Collection method: clinical testing. Allele origin: germline. Inheritance: Autosomal recessive inheritance. Affected: yes. Observed: 1 compound heterozygote.
Comment: A Heterozygous missense variation in exon 2 of the SGSH gene that results in the amino acid substitution of Cystine for Arginine at codon 74 was detected. The observed variant c.220C>T (p.Arg74Cys) has not been reported in the 1000 genomes and has a MAF of 0.02% in gnomAD databases. The in silico prediction of the variant are possibly damaging by LRT, SIFT and MutationTaster. The reference codon is conserved across species. In summary, the variant meets our criteria to be classified as pathogenic.

OMIM
Classification: Pathogenic for MUCOPOLYSACCHARIDOSIS, TYPE IIIA. Last evaluated: 1997-01-01. Review status: no assertion criteria provided. Collection method: literature only. Allele origin: germline. Not counted in ClinVar's aggregate classification.

Diagnostic Laboratory, Department of Genetics, University Medical Center Groningen
Classification: Pathogenic for Mucopolysaccharidosis, MPS-III-A. Review status: no assertion criteria provided. Collection method: clinical testing. Allele origin: germline. Affected: yes. Study: VKGL Data-share Consensus. Not counted in ClinVar's aggregate classification.

GeneReviews
No classification provided. Condition: Mucopolysaccharidosis. Review status: no classification provided. Collection method: literature only. Allele origin: germline. Not counted in ClinVar's aggregate classification.

Genomics England Pilot Project, Genomics England
Classification: Pathogenic for Mucopolysaccharidosis, MPS-III-A. Review status: no assertion criteria provided. Criteria: ACGS Guidelines, 2016. Collection method: clinical testing. Allele origin: germline. Affected: yes. Not counted in ClinVar's aggregate classification.

Joint Genome Diagnostic Labs from Nijmegen and Maastricht, Radboudumc and MUMC+
Classification: Pathogenic. Review status: no assertion criteria provided. Collection method: clinical testing. Allele origin: germline. Affected: yes. Study: VKGL Data-share Consensus. Not counted in ClinVar's aggregate classification.

Literature cited by the submitters: PubMed 9285796 (cited by 4 submitters); PubMed 9401012 (cited by 6 submitters); PubMed 22976768 (cited by Labcorp Genetics (formerly Invitae), Labcorp and Dasa); PubMed 28844463 (cited by Labcorp Genetics (formerly Invitae), Labcorp and Dasa); PubMed 10601282 (cited by Labcorp Genetics (formerly Invitae), Labcorp and Dasa); PubMed 15146460 (cited by 3 submitters); PubMed 15542396 (cited by Labcorp Genetics (formerly Invitae), Labcorp); PubMed 11182930 (cited by 3billion and Myriad Genetics, Inc.); PubMed 24875751 (cited by Women's Health and Genetics/Laboratory Corporation of America, LabCorp and Natera, Inc.); PubMed 18407553 (cited by Myriad Genetics, Inc.); PubMed 24314109 (cited by Myriad Genetics, Inc. and Laboratory of Diagnosis and Therapy of Lysosomal Disorders, University of Padova); PubMed 21061399 (cited by Myriad Genetics, Inc. and GeneReviews); PubMed 30809705 (cited by Laboratory of Diagnosis and Therapy of Lysosomal Disorders, University of Padova); PubMed 31536183 (cited by GeneReviews).